The following is an entry in ClinVar:

ClinVar aggregate classification (germline): Uncertain significance (1 of 4 stars; one submission).

Conditions:
PDGFRB-related disorder. Also called: PDGFRB-related condition.

Allele frequency attached by ClinVar (database versions not stated): gnomAD exomes below 0.00001; TOPMed below 0.00001; gnomAD 0.00001.

Submission:

PreventionGenetics, part of Exact Sciences
Classification: Uncertain significance for PDGFRB-related condition. Last evaluated: 2023-05-20. Review status: criteria provided, single submitter. Criteria: ACMG Guidelines, 2015. Collection method: clinical testing. Allele origin: germline.
Comment: The PDGFRB c.2366C>T variant is predicted to result in the amino acid substitution p.Ala789Val. To our knowledge, this variant has not been reported in the literature or in a large population database, indicating this variant is rare. At this time, the clinical significance of this variant is uncertain due to the absence of conclusive functional and genetic evidence.

NM_002609.4(PDGFRB):c.2366C>T (p.Ala789Val)

Gene: PDGFRB (platelet derived growth factor receptor beta; minus strand). Cytogenetic location: 5q32.
Variant type: single nucleotide variant.
Coding change: c.2366C>T on transcript NM_002609.4 (MANE Select); coding-DNA position 2366, C replaced by T.
Protein change: p.Ala789Val; replaces alanine 789 with valine.
Molecular consequence: missense variant.
Genome position (GRCh38, 1-based): chr5:150,121,301, G>A on the plus strand (C>T on the coding strand, the complement: PDGFRB is on the minus strand). VCF-style: chr5-150121301-G-A. GRCh37 (hg19) VCF-style: chr5-149500864-G-A.
Other names: c.2174C>T, p.Ala725Val (NM_001355016.2); c.1883C>T, p.Ala628Val (NM_001355017.2); short protein forms A628V, A725V, A789V.
Identifiers: ClinVar variation 2628796 (VCV002628796.1), dbSNP rs1476912372, ClinGen allele CA361761342.